The following is an entry in ClinVar:

ClinVar aggregate classification (germline): Uncertain significance (1 of 4 stars; one submission).

Conditions:
Short-rib thoracic dysplasia 6 with or without polydactyly (SRTD6). Also called: Majewski Syndrome; SHORT-RIB THORACIC DYSPLASIA 6 WITH POLYDACTYLY; SHORT-RIB THORACIC DYSPLASIA 6 WITHOUT POLYDACTYLY; POLYDACTYLY WITH NEONATAL CHONDRODYSTROPHY, TYPE II; SHORT RIB-POLYDACTYLY SYNDROME, TYPE IIA. Identifiers: MedGen C0024507, MONDO:0009894, OMIM 263520.

Submission:

Centre for Mendelian Genomics, University Medical Centre Ljubljana
Classification: Uncertain significance for Short-rib thoracic dysplasia 6 with or without polydactyly. Last evaluated: 2019-07-01. Review status: criteria provided, single submitter. Criteria: ACMG Guidelines, 2015. Collection method: clinical testing. Allele origin: unknown. Affected: yes.
Comment: This variant was classified as: Uncertain significance. The available evidence on this variant's pathogenicity is insufficient or conflicting. The following ACMG criteria were applied in classifying this variant: PM2,BS2.

NM_001199397.3(NEK1):c.1496A>T (p.Asp499Val)

Gene: NEK1 (NIMA related kinase 1; minus strand). Cytogenetic location: 4q33.
Variant type: single nucleotide variant.
Coding change: c.1496A>T on transcript NM_001199397.3 (MANE Select); coding-DNA position 1496, A replaced by T.
Protein change: p.Asp499Val; replaces aspartic acid 499 with valine.
Molecular consequence: missense variant. On other transcripts: non-coding transcript variant (1), intron variant (3).
Genome position (GRCh38, 1-based): chr4:169,555,786, T>A on the plus strand (A>T on the coding strand, the complement: NEK1 is on the minus strand). VCF-style: chr4-169555786-T-A. GRCh37 (hg19) VCF-style: chr4-170476937-T-A.
Other names: c.1496A>T, p.Asp499Val (NM_001374418.1, NM_001374419.1, NM_012224.4); c.1445A>T, p.Asp482Val (NM_001374420.1); c.1370A>T, p.Asp457Val (NM_001374421.1); c.1355+146A>T (NM_001199399.3); c.1430+146A>T (NM_001199398.3, NM_001199400.3); short protein forms D482V, D457V, D499V.
Identifiers: ClinVar variation 931143 (VCV000931143.3), dbSNP rs1762076570, ClinGen allele CA358733693.
Genomic context (GRCh38, chr4:169,555,786, plus strand): 5'-GCATTGGCTTGTTTAGACACCGCCTTCAATCTTTTCAAAGTTTTTCTAATATCATCAGCA[T>A]CAGGAAAATGGTGATGACCTGCAGCCCCATAAGGAAATCCTGGACGAACTCCAGGCAGAA-3'
Protein context (NP_001186326.1, residues 489-509): YGAAGHHHFP[Asp499Val]ADDIRKTLKR